The following is an entry in ClinVar:

NM_001256447.2(BCAP31):c.619A>G (p.Asn207Asp)

Gene: BCAP31 (B cell receptor associated protein 31; minus strand). Cytogenetic location: Xq28.
Variant type: single nucleotide variant.
Coding change: c.619A>G on transcript NM_001256447.2 (MANE Select); coding-DNA position 619, A replaced by G.
Protein change: p.Asn207Asp; replaces asparagine 207 with aspartic acid.
Molecular consequence: missense variant.
Genome position (GRCh38, 1-based): chrX:153,702,090, T>C on the plus strand (A>G on the coding strand, the complement: BCAP31 is on the minus strand). VCF-style: chrX-153702090-T-C. GRCh37 (hg19) VCF-style: chrX-152967545-T-C.
Other names: c.619A>G, p.Asn207Asp (NM_005745.8, NM_001139441.1); c.820A>G (NM_001139457.1); c.820A>G, p.Asn274Asp (NM_001139457.2); short protein forms N274D, N207D.
Identifiers: ClinVar variation 2181644 (VCV002181644.5), dbSNP rs201920029, ClinGen allele CA10549721.

ClinVar aggregate classification (germline): Conflicting classifications of pathogenicity. Review status: criteria provided, conflicting classifications (1 of 4 stars). 2 submissions from 2 submitters: Uncertain significance (1); Likely benign (1). Last evaluated 2024-12-18.

Conditions:
Inborn genetic diseases. Identifiers: MedGen C0950123, MeSH D030342.

Allele frequency attached by ClinVar (database versions not stated): gnomAD exomes 0.00003; ExAC 0.00005; gnomAD 0.00005; TOPMed 0.00015.
gnomAD v4.1: 37 of 1,204,837 alleles (0.0031%); highest among the groups gnomAD compares: South Asian, 0.016%; no homozygotes.

Submissions (2):

Labcorp Genetics (formerly Invitae), Labcorp
Classification: Uncertain significance. Last evaluated: 2024-12-18. Review status: criteria provided, single submitter. Criteria: Invitae Variant Classification Sherloc (09022015). Collection method: clinical testing. Allele origin: germline.
Comment: This sequence change replaces asparagine, which is neutral and polar, with aspartic acid, which is acidic and polar, at codon 207 of the BCAP31 protein (p.Asn207Asp). This variant is present in population databases (rs201920029, gnomAD 0.02%). This variant has not been reported in the literature in individuals affected with BCAP31-related conditions. ClinVar contains an entry for this variant (Variation ID: 2181644). An algorithm developed to predict the effect of missense changes on protein structure and function (PolyPhen-2) suggests that this variant is likely to be tolerated. In summary, the available evidence is currently insufficient to determine the role of this variant in disease. Therefore, it has been classified as a Variant of Uncertain Significance.

Ambry Genetics
Classification: Likely benign for Inborn genetic diseases. Last evaluated: 2022-03-22. Review status: criteria provided, single submitter. Criteria: Ambry Variant Classification Scheme 2023. Collection method: clinical testing. Allele origin: germline.